The following is an entry in ClinVar:

ClinVar aggregate classification (germline): Uncertain significance. Review status: criteria provided, multiple submitters, no conflicts (2 of 4 stars). 2 submissions from 2 submitters: Uncertain significance (2). Last evaluated 2025-06-03.

Allele frequency attached by ClinVar (database versions not stated): gnomAD exomes 0.00001.
gnomAD v4.1: 8 of 1,613,288 alleles (0.0005%); highest among the groups gnomAD compares: South Asian, 0.0022%; no homozygotes.

Submissions (2):

Ambry Genetics
Classification: Uncertain significance. Last evaluated: 2025-06-03. Review status: criteria provided, single submitter. Criteria: Ambry Variant Classification Scheme 2023. Collection method: clinical testing. Allele origin: germline.

Labcorp Genetics (formerly Invitae), Labcorp
Classification: Uncertain significance. Last evaluated: 2025-03-03. Review status: criteria provided, single submitter. Criteria: Invitae Variant Classification Sherloc (09022015). Collection method: clinical testing. Allele origin: germline.
Comment: This sequence change replaces proline, which is neutral and non-polar, with leucine, which is neutral and non-polar, at codon 495 of the DSCAML1 protein (p.Pro495Leu). This variant is present in population databases (no rsID available, gnomAD 0.003%). This variant has not been reported in the literature in individuals affected with DSCAML1-related conditions. ClinVar contains an entry for this variant (Variation ID: 2415835). An algorithm developed to predict the effect of missense changes on protein structure and function (PolyPhen-2) suggests that this variant is likely to be disruptive. In summary, the available evidence is currently insufficient to determine the role of this variant in disease. Therefore, it has been classified as a Variant of Uncertain Significance.

NM_020693.4(DSCAML1):c.1304C>T (p.Pro435Leu)

Gene: DSCAML1 (DS cell adhesion molecule like 1; minus strand). Cytogenetic location: 11q23.3.
Variant type: single nucleotide variant.
Coding change: c.1304C>T on transcript NM_020693.4 (MANE Select); coding-DNA position 1304, C replaced by T.
Protein change: p.Pro435Leu; replaces proline 435 with leucine.
Molecular consequence: missense variant.
Genome position (GRCh38, 1-based): chr11:117,518,672, G>A on the plus strand (C>T on the coding strand, the complement: DSCAML1 is on the minus strand). VCF-style: chr11-117518672-G-A. GRCh37 (hg19) VCF-style: chr11-117389387-G-A.
Other names: c.1304C>T, p.Pro435Leu (NM_001367904.1); c.896C>T, p.Pro299Leu (NM_001367905.1); c.1484C>T (NM_020693.2); short protein forms P299L, P435L.
Identifiers: ClinVar variation 2415835 (VCV002415835.7), dbSNP rs1392885362, ClinGen allele CA382745985.
Genomic context (GRCh38, chr11:117,518,672, plus strand): 5'-CGGTGGCTGCCATCCCGCACGATGGGCTCATCGTCGAGGGCCCAGGTGACCGTGGGGGGC[G>A]GGGCGCCCTTGGCCGCACACATCAGTGAGAACTGCTCCCCGGGGTTGACCACCTTCTCGC-3'
Protein context (NP_065744.3, residues 425-445): FSLMCAAKGA[Pro435Leu]PPTVTWALDD